The following is an entry in ClinVar:

ClinVar aggregate classification (germline): Likely pathogenic. Review status: criteria provided, multiple submitters, no conflicts (2 of 4 stars). 5 submissions from 5 submitters: Likely pathogenic (5). Last evaluated 2025-10-08.

Conditions:
Corneal dystrophy, Fuchs endothelial, 4 (FECD4). Identifiers: Orphanet 98974, MedGen C2750450, MONDO:0013204, OMIM 613268.
Corneal dystrophy-perceptive deafness syndrome (CDPD). Also called: CORNEAL DYSTROPHY AND SENSORINEURAL DEAFNESS; HARBOYAN SYNDROME. Identifiers: Orphanet 1490, MedGen C1857572, MONDO:0009015, OMIM 217400.
Congenital hereditary endothelial dystrophy of cornea. Also called: CORNEAL DYSTROPHY, CONGENITAL HEREDITARY ENDOTHELIAL; Congenital hereditary endothelial dystrophy of the cornea; Maumenee corneal dystrophy; Corneal endothelial dystrophy, autosomal recessive; Congenital hereditary endothelial dystrophy type II. Identifiers: Orphanet 293603, MedGen C1857569, MONDO:0009019, OMIM 217700.
Corneal dystrophy. Identifiers: Orphanet 34533, MedGen C0010036, MONDO:0018102, HP:0001131.

Allele frequency attached by ClinVar (database versions not stated): TOPMed below 0.00001; ExAC 0.00001; gnomAD 0.00001; gnomAD exomes 0.00001.
gnomAD v4.1: 12 of 1,612,986 alleles (0.00074%); highest among the groups gnomAD compares: Admixed American, 0.0017%; no homozygotes.

Submissions (5):

Natera, Inc.
Classification: Likely pathogenic for Corneal dystrophy-perceptive deafness syndrome. Last evaluated: 2025-10-08. Review status: criteria provided, single submitter. Criteria: Natera Variant Classification Schema (03/2026). Collection method: clinical testing. Allele origin: germline.
Comment: The c.2411G>A variant in SLC4A11 is a missense variant predicted to cause substitution of arginine to histidine at amino acid 804. This variant is rare in the general population with a frequency below the threshold expected for the associated phenotype(s). This variant has been observed in one or more individuals affected with the associated recessive disease, as either homozygous or compound heterozygous with a second variant (PMID: 31714402, 16825429, 31323090). Computational prediction algorithms indicate this variant is likely to affect gene or protein function. Given the available evidence, this variant is classified as Likely Pathogenic.

Genetics Laboratory, Great Ormond Street Hospital NHS Foundation Trust, North Thames Genomic Laboratory Hub
Classification: Likely pathogenic for Corneal dystrophy. Last evaluated: 2025-09-22. Review status: criteria provided, single submitter. Criteria: ACGS Best Practice Guidelines for Variant Classification in Rare Disease 2024 v1.2. Collection method: clinical testing. Allele origin: germline. Affected: yes.
Comment: PM2_moderate, PP3_supporting, PS3_supporting, PM3_moderate

Dasa
Classification: Likely pathogenic. Last evaluated: 2025-04-04. Review status: criteria provided, single submitter. Criteria: DASA Assertion Criteria. Collection method: clinical testing. Allele origin: germline.
Comment: NM_001174089.2(SLC4A11):c.2363G>A (p.Arg788His) is a missense variant that results in the substitution of arginine with histidine. This variant has been recurrently observed in individuals with SLC4A11-related disorders (PMID: 31714402; PMID: 31323090; PMID: 16825429). Functional evidence supports an impact on the gene or gene product (PMID: 31714402; PMID: 31323090; PMID: 16825429; PMID: 32520610; PMID: 29327391). Also, this variant is rare in population databases. Computational evidence supports a deleterious effect. Based on the currently available evidence, this variant is classified as likely pathogenic.

Fulgent Genetics
Classification: Likely pathogenic for Corneal dystrophy-perceptive deafness syndrome; Congenital hereditary endothelial dystrophy of cornea; Corneal dystrophy, Fuchs endothelial, 4. Last evaluated: 2024-03-07. Review status: criteria provided, single submitter. Criteria: ACMG Guidelines, 2015. Collection method: clinical testing. Allele origin: germline.

Labcorp Genetics (formerly Invitae), Labcorp
Classification: Likely pathogenic. Last evaluated: 2024-02-09. Review status: criteria provided, single submitter. Criteria: Invitae Variant Classification Sherloc (09022015). Collection method: clinical testing. Allele origin: germline.
Comment: This sequence change replaces arginine, which is basic and polar, with histidine, which is basic and polar, at codon 804 of the SLC4A11 protein (p.Arg804His). This variant is present in population databases (rs766567944, gnomAD 0.003%). This missense change has been observed in individual(s) with congenital hereditary endothelial dystrophy (PMID: 16825429, 31323090, 31714402). In at least one individual the data is consistent with being in trans (on the opposite chromosome) from a pathogenic variant. ClinVar contains an entry for this variant (Variation ID: 2138323). Advanced modeling of protein sequence and biophysical properties (such as structural, functional, and spatial information, amino acid conservation, physicochemical variation, residue mobility, and thermodynamic stability) has been performed at Invitae for this missense variant, however the output from this modeling did not meet the statistical confidence thresholds required to predict the impact of this variant on SLC4A11 protein function. Experimental studies have shown that this missense change affects SLC4A11 function (PMID: 29327391, 32520610). In summary, the currently available evidence indicates that the variant is pathogenic, but additional data are needed to prove that conclusively. Therefore, this variant has been classified as Likely Pathogenic.

Literature cited by the submitters: PubMed 31714402 (cited by 3 submitters); PubMed 16825429 (cited by 3 submitters); PubMed 31323090 (cited by 3 submitters); PubMed 32520610 (cited by Dasa and Labcorp Genetics (formerly Invitae), Labcorp); PubMed 29327391 (cited by Dasa and Labcorp Genetics (formerly Invitae), Labcorp).

NM_001174089.2(SLC4A11):c.2363G>A (p.Arg788His)

Gene: SLC4A11 (solute carrier family 4 member 11; minus strand). Cytogenetic location: 20p13.
Variant type: single nucleotide variant.
Coding change: c.2363G>A on transcript NM_001174089.2 (MANE Select); coding-DNA position 2363, G replaced by A.
Protein change: p.Arg788His; replaces arginine 788 with histidine.
Molecular consequence: missense variant. On other transcripts: non-coding transcript variant (3).
Genome position (GRCh38, 1-based): chr20:3,228,537, C>T on the plus strand (G>A on the coding strand, the complement: SLC4A11 is on the minus strand). VCF-style: chr20-3228537-C-T. GRCh37 (hg19) VCF-style: chr20-3209183-C-T.
Other names: c.2492G>A, p.Arg831His (NM_001174090.2); c.2249G>A, p.Arg750His (NM_001363745.2); c.2306G>A, p.Arg769His (NM_001400277.1, NM_001400278.1, NM_001400279.1); c.2378G>A, p.Arg793His (NM_001400280.1); c.2411G>A, p.Arg804His (NM_032034.4); c.2411G>A (NM_032034.3); short protein forms R769H, R793H, R831H, R750H, R788H, R804H.
Identifiers: ClinVar variation 2138323 (VCV002138323.9), dbSNP rs766567944, ClinGen allele CA9741498.